The following is an entry in ClinVar:

ClinVar aggregate classification (germline): Uncertain significance. Review status: criteria provided, multiple submitters, no conflicts (2 of 4 stars). 8 submissions from 8 submitters: Uncertain significance (8). Last evaluated 2025-12-26.

Conditions:
Hereditary cancer-predisposing syndrome. Also called: Hereditary Cancer Syndrome; Neoplastic Syndromes, Hereditary; Tumor predisposition; Hereditary neoplastic syndrome. Identifiers: Orphanet 140162, MedGen C0027672, MeSH D009386, MONDO:0015356.
Breast-ovarian cancer, familial, susceptibility to, 2 (BROVCA2). Also called: BRCA2 Hereditary Breast and Ovarian Cancer. Identifiers: Orphanet 145, MedGen C2675520, MONDO:0012933, OMIM 612555. Disease mechanism: loss of function.
Hereditary breast ovarian cancer syndrome. Also called: Hereditary breast and/or ovarian cancer syndrome; BRCA1- and BRCA2-Associated Hereditary Breast and Ovarian Cancer; Hereditary breast and ovarian cancer syndrome (HBOC); Hereditary breast and ovarian cancer; Hereditary breast and ovarian cancer syndrome; Breast and ovarian cancer. Identifiers: Orphanet 145, MedGen C0677776, MeSH D061325, MONDO:0003582. Disease mechanism: loss of function.
Familial cancer of breast. Also called: Hereditary breast cancer; hereditary breast carcinoma; BREAST CANCER, FAMILIAL. Identifiers: Orphanet 227535, MedGen C0346153, MONDO:0016419, OMIM 114480. Disease mechanism: loss of function.

Allele frequency attached by ClinVar (database versions not stated): gnomAD exomes 0.00001; TOPMed 0.00001.
gnomAD v4.1: 4 of 1,613,846 alleles (0.00025%); highest among the groups gnomAD compares: Admixed American, 0.0067%; no homozygotes.

Submissions (8):

Labcorp Genetics (formerly Invitae), Labcorp
Classification: Uncertain significance for Hereditary breast ovarian cancer syndrome. Last evaluated: 2025-12-26. Review status: criteria provided, single submitter. Criteria: Invitae Variant Classification Sherloc (09022015). Collection method: clinical testing. Allele origin: germline.
Comment: This sequence change replaces proline, which is neutral and non-polar, with threonine, which is neutral and polar, at codon 69 of the BRCA2 protein (p.Pro69Thr). This variant is not present in population databases (gnomAD no frequency). This missense change has been observed in individual(s) with ovarian cancer (PMID: 37664050). ClinVar contains an entry for this variant (Variation ID: 230525). Invitae Evidence Modeling of protein sequence and biophysical properties (such as structural, functional, and spatial information, amino acid conservation, physicochemical variation, residue mobility, and thermodynamic stability) indicates that this missense variant is not expected to disrupt BRCA2 protein function with a negative predictive value of 95%. In summary, the available evidence is currently insufficient to determine the role of this variant in disease. Therefore, it has been classified as a Variant of Uncertain Significance.

Women's Health and Genetics/Laboratory Corporation of America, LabCorp
Classification: Uncertain significance. Last evaluated: 2025-10-23. Review status: criteria provided, single submitter. Criteria: LabCorp Variant Classification Summary - May 2015. Collection method: clinical testing. Allele origin: germline.
Comment: Variant summary: BRCA2 c.205C>A (p.Pro69Thr) results in a non-conservative amino acid change in the encoded protein sequence. Algorithms developed to predict the effect of missense changes on protein structure and function are either unavailable or do not agree on the potential impact of this missense change. The variant was absent in 251386 control chromosomes (gnomAD). The available data on variant occurrences in the general population are insufficient to allow any conclusion about variant significance. c.205C>A has been observed in individuals affected with ovarian cancer or individuals who met the clinical criteria for BRCA1/2 testing (e.g., Herzog_2021, Ferreyra_2023). These reports do not provide unequivocal conclusions about association of the variant with Hereditary Breast And Ovarian Cancer Syndrome. To our knowledge, no experimental evidence demonstrating an impact on protein function has been reported. The following publications have been ascertained in the context of this evaluation (PMID: 34413315, 37664050). ClinVar contains an entry for this variant (Variation ID: 230525). Based on the evidence outlined above, the variant was classified as uncertain significance.

All of Us Research Program, National Institutes of Health
Classification: Uncertain significance for Breast-ovarian cancer, familial, susceptibility to, 2. Last evaluated: 2023-12-13. Review status: criteria provided, single submitter. Criteria: ACMG Guidelines, 2015. Collection method: clinical testing. Allele origin: germline. Inheritance: Autosomal dominant inheritance. Observed: 2 variant alleles, 2 heterozygotes.
Comment: This missense variant replaces proline with threonine at codon 69 of the BRCA2 protein. Computational prediction suggests that this variant may not impact protein structure and function (internally defined REVEL score threshold <= 0.5, PMID: 27666373). To our knowledge, functional studies have not been reported for this variant. This variant has been reported in an individual affected with ovarian cancer (PMID: 37664050) and in an individual affected with BRCA2-associated cancer and/or relevant family history (Color internal data). This variant has not been identified in the general population by the Genome Aggregation Database (gnomAD). The available evidence is insufficient to determine the role of this variant in disease conclusively. Therefore, this variant is classified as a Variant of Uncertain Significance.

This study involves interpretation of variants in research participants for the purpose of population health screening. Participant phenotype was not available at the time of variant classification. Additional details can be found in publication PMID: 35346344, PMCID: PMC8962531

Ambry Genetics
Classification: Uncertain significance for Hereditary cancer-predisposing syndrome. Last evaluated: 2023-11-04. Review status: criteria provided, single submitter. Criteria: Ambry Variant Classification Scheme 2023. Collection method: clinical testing. Allele origin: germline.
Comment: The p.P69T variant (also known as c.205C>A), located in coding exon 2 of the BRCA2 gene, results from a C to A substitution at nucleotide position 205. The proline at codon 69 is replaced by threonine, an amino acid with highly similar properties. This alteration was identified in a breast/ovarian cancer cohort from Peru (Ferreyra Y et al. Front Oncol, 2023 Aug;13:1227864). This amino acid position is poorly conserved in available vertebrate species. In addition, this alteration is predicted to be tolerated by in silico analysis. Since supporting evidence is limited at this time, the clinical significance of this alteration remains unclear.

Color Diagnostics, LLC DBA Color Health
Classification: Uncertain significance for Hereditary cancer-predisposing syndrome. Last evaluated: 2023-09-27. Review status: criteria provided, single submitter. Criteria: ACMG Guidelines, 2015. Collection method: clinical testing. Allele origin: germline.
Comment: This missense variant replaces proline with threonine at codon 69 of the BRCA2 protein. Computational prediction suggests that this variant may not impact protein structure and function (internally defined REVEL score threshold <= 0.5, PMID: 27666373). To our knowledge, functional studies have not been reported for this variant. This variant has been reported in an individual affected with ovarian cancer (PMID: 37664050) and in an individual affected with BRCA2-associated cancer and/or relevant family history (Color internal data). This variant has not been identified in the general population by the Genome Aggregation Database (gnomAD). The available evidence is insufficient to determine the role of this variant in disease conclusively. Therefore, this variant is classified as a Variant of Uncertain Significance.

Baylor Genetics
Classification: Uncertain significance for Familial cancer of breast. Last evaluated: 2023-08-23. Review status: criteria provided, single submitter. Criteria: ACMG Guidelines, 2015. Collection method: clinical testing. Allele origin: unknown.

GeneDx
Classification: Uncertain significance. Last evaluated: 2022-12-03. Review status: criteria provided, single submitter. Criteria: GeneDx Variant Classification Process June 2021. Collection method: clinical testing. Allele origin: germline. Affected: yes.
Comment: Not observed at significant frequency in large population cohorts (gnomAD); In silico analysis supports that this missense variant does not alter protein structure/function; Has not been previously published as pathogenic or benign to our knowledge; Also known as 433C>A; This variant is associated with the following publications: (PMID: 24356096, 31853058, 29884841, 32377563, 31911673)

Quest Diagnostics Nichols Institute San Juan Capistrano
Classification: Uncertain significance. Last evaluated: 2020-02-25. Review status: criteria provided, single submitter. Criteria: Quest Diagnostics criteria. Collection method: clinical testing. Allele origin: unknown.

Literature cited by the submitters: PubMed 37664050 (cited by 5 submitters); PubMed 34413315 (cited by Women's Health and Genetics/Laboratory Corporation of America, LabCorp).

NM_000059.4(BRCA2):c.205C>A (p.Pro69Thr)

Gene: BRCA2 (BRCA2 DNA repair associated; plus strand). Cytogenetic location: 13q13.1.
Variant type: single nucleotide variant.
Coding change: c.205C>A on transcript NM_000059.4 (MANE Select); coding-DNA position 205, C replaced by A.
Protein change: p.Pro69Thr; replaces proline 69 with threonine.
Molecular consequence: missense variant.
Genome position (GRCh38, 1-based): chr13:32,319,214, C>A. VCF-style: chr13-32319214-C-A. GRCh37 (hg19) VCF-style: chr13-32893351-C-A.
Other names: short protein forms P69T.
Identifiers: ClinVar variation 230525 (VCV000230525.26), dbSNP rs876658614, ClinGen allele CA10579448.
Genomic context (GRCh38, chr13:32,319,214, plus strand): 5'-GAATCTGAACATAAAAACAACAATTACGAACCAAACCTATTTAAAACTCCACAAAGGAAA[C>A]CATCTTATAATCAGCTGGCTTCAACTCCAATAATATTCAAAGAGCAAGGGCTGACTCTGC-3'
Protein context (NP_000050.3, residues 59-79): PNLFKTPQRK[Pro69Thr]SYNQLASTPI